The following is an entry in ClinVar:

NM_001382241.1(TNPO2):c.927G>A (p.Ser309=)

Gene: TNPO2 (transportin 2; minus strand). Cytogenetic location: 19p13.13.
Variant type: single nucleotide variant.
Coding change: c.927G>A on transcript NM_001382241.1 (MANE Select); coding-DNA position 927, G replaced by A.
Protein change: p.Ser309=; no amino-acid change (serine 309 retained).
Molecular consequence: synonymous variant. On other transcripts: non-coding transcript variant (5).
Genome position (GRCh38, 1-based): chr19:12,711,577, C>T on the plus strand (G>A on the coding strand, the complement: TNPO2 is on the minus strand). VCF-style: chr19-12711577-C-T. GRCh37 (hg19) VCF-style: chr19-12822391-C-T.
Other names: c.927G>A, p.Ser309= (NM_001136195.2, NM_001136196.2, NM_001382236.1 and 7 more transcripts).
Identifiers: ClinVar variation 4534404 (VCV004534404.6).

ClinVar aggregate classification (germline): Likely benign (1 of 4 stars; one submission).

gnomAD v4.1: 29 of 1,613,746 alleles (0.0018%); highest among the groups gnomAD compares: Middle Eastern, 0.016%; no homozygotes.

Submission:

CeGaT Center for Human Genetics Tuebingen
Classification: Likely benign. Last evaluated: 2025-11-01. Review status: criteria provided, single submitter. Criteria: CeGaT Center For Human Genetics Tuebingen Variant Classification Criteria Version 2. Collection method: clinical testing. Allele origin: germline. Affected: yes. Observed: 1 variant allele.
Comment: TNPO2: BP4, BP7